The following is an entry in ClinVar:

ClinVar aggregate classification (germline): Uncertain significance (1 of 4 stars; one submission).

Submission:

Labcorp Genetics (formerly Invitae), Labcorp
Classification: Uncertain significance. Last evaluated: 2022-07-19. Review status: criteria provided, single submitter. Criteria: Invitae Variant Classification Sherloc (09022015). Collection method: clinical testing. Allele origin: germline.
Comment: This variant is not present in population databases (gnomAD no frequency). This sequence change replaces threonine, which is neutral and polar, with isoleucine, which is neutral and non-polar, at codon 4967 of the FAT4 protein (p.Thr4967Ile). This variant has not been reported in the literature in individuals affected with FAT4-related conditions. In summary, the available evidence is currently insufficient to determine the role of this variant in disease. Therefore, it has been classified as a Variant of Uncertain Significance. Advanced modeling of protein sequence and biophysical properties (such as structural, functional, and spatial information, amino acid conservation, physicochemical variation, residue mobility, and thermodynamic stability) performed at Invitae indicates that this missense variant is not expected to disrupt FAT4 protein function. ClinVar contains an entry for this variant (Variation ID: 1406829).

NM_001291303.3(FAT4):c.14906C>T (p.Thr4969Ile)

Gene: FAT4 (FAT atypical cadherin 4; plus strand). Cytogenetic location: 4q28.1.
Variant type: single nucleotide variant.
Coding change: c.14906C>T on transcript NM_001291303.3 (MANE Select); coding-DNA position 14906, C replaced by T.
Protein change: p.Thr4969Ile; replaces threonine 4969 with isoleucine.
Molecular consequence: missense variant.
Genome position (GRCh38, 1-based): chr4:125,491,722, C>T. VCF-style: chr4-125491722-C-T. GRCh37 (hg19) VCF-style: chr4-126412877-C-T.
Other names: c.14903C>T, p.Thr4968Ile (NM_001291285.3); c.14900C>T, p.Thr4967Ile (NM_024582.6); short protein forms T4967I, T4968I, T4969I.
Identifiers: ClinVar variation 1406829 (VCV001406829.8), dbSNP rs763678476, ClinGen allele CA358144153.